The following is an entry in ClinVar:

ClinVar aggregate classification (germline): Pathogenic (1 of 4 stars; one submission).

Conditions:
Duchenne muscular dystrophy (DMD). Also called: MUSCULAR DYSTROPHY, PSEUDOHYPERTROPHIC PROGRESSIVE, DUCHENNE TYPE; Duchenne Muscular Dystrophy (DMD). Identifiers: Orphanet 98896, MedGen C0013264, MONDO:0010679, OMIM 310200.

Submission:

Labcorp Genetics (formerly Invitae), Labcorp
Classification: Pathogenic for Duchenne muscular dystrophy. Last evaluated: 2022-02-23. Review status: criteria provided, single submitter. Criteria: Invitae Variant Classification Sherloc (09022015). Collection method: clinical testing. Allele origin: germline.
Comment: This variant is not present in population databases (gnomAD no frequency). This sequence change creates a premature translational stop signal (p.His732Profs*28) in the DMD gene. It is expected to result in an absent or disrupted protein product. Loss-of-function variants in DMD are known to be pathogenic (PMID: 16770791, 25007885). This variant has not been reported in the literature in individuals affected with DMD-related conditions. For these reasons, this variant has been classified as Pathogenic.

Literature cited by the submitters: PubMed 16770791; PubMed 25007885.

NM_004006.3(DMD):c.2195del (p.His732fs)

Gene: DMD (dystrophin; minus strand). Cytogenetic location: Xp21.1.
Variant type: Deletion.
Coding change: c.2195del on transcript NM_004006.3 (MANE Select); coding-DNA position 2195, one base deleted (A; older notation c.2195delA).
Protein change: p.His732fs; shifts the reading frame from histidine 732.
Molecular consequence: frameshift variant.
Genome position (GRCh38, 1-based): chrX:32,518,105, T deleted on the plus strand (A on the coding strand, the reverse complement: DMD is on the minus strand). VCF-style (leftmost placement, unchanged base first): chrX-32518104-GT-G. GRCh37 (hg19) VCF-style: chrX-32536221-GT-G.
Other names: c.2171del, p.His724fs (NM_000109.4); c.2183del, p.His728fs (NM_004009.3); c.1826del, p.His609fs (NM_004010.3); short protein forms H732fs, H609fs, H724fs, H728fs.
Identifiers: ClinVar variation 2102635 (VCV002102635.4), dbSNP rs2525547933, ClinGen allele CA2580100710.